The following is an entry in ClinVar:

NM_003970.4(MYOM2):c.654-9C>T

Gene: MYOM2 (myomesin 2; plus strand). Cytogenetic location: 8p23.3.
Variant type: single nucleotide variant.
Coding change: c.654-9C>T on transcript NM_003970.4 (MANE Select); 9 bases into the intron before coding-DNA position 654, C replaced by T.
Molecular consequence: intron variant.
Genome position (GRCh38, 1-based): chr8:2,069,269, C>T. VCF-style: chr8-2069269-C-T. GRCh37 (hg19) VCF-style: chr8-2017388-C-T.
Identifiers: ClinVar variation 3049311 (VCV003049311.2), dbSNP rs201919679, ClinGen allele CA170446323.

ClinVar aggregate classification (germline): Benign (0 of 4 stars; one submission).

Conditions:
MYOM2-related disorder. Also called: MYOM2-related condition.

Allele frequency attached by ClinVar (database versions not stated): ESP Exome Variant Server 0.00300; 1000 Genomes Project 30x 0.00390; 1000 Genomes Project 0.00419.
gnomAD v4.1: 7,350 of 1,601,818 alleles (0.46%); highest among the groups gnomAD compares: South Asian, 1.4%; 38 homozygotes.

Submission:

PreventionGenetics, part of Exact Sciences
Classification: Benign for MYOM2-related condition. Last evaluated: 2019-02-28. Review status: no assertion criteria provided. Collection method: clinical testing. Allele origin: germline.
Comment: This variant is classified as benign based on ACMG/AMP sequence variant interpretation guidelines (Richards et al. 2015 PMID: 25741868, with internal and published modifications).